The following is an entry in ClinVar:

NM_181882.3(PRX):c.2485G>C (p.Gly829Arg)

Gene: PRX (periaxin; minus strand). Cytogenetic location: 19q13.2.
Variant type: single nucleotide variant.
Coding change: c.2485G>C on transcript NM_181882.3 (MANE Select); coding-DNA position 2485, G replaced by C.
Protein change: p.Gly829Arg; replaces glycine 829 with arginine.
Molecular consequence: missense variant. On other transcripts: 3 prime UTR variant (1).
Genome position (GRCh38, 1-based): chr19:40,395,867, C>G on the plus strand (G>C on the coding strand, the complement: PRX is on the minus strand). VCF-style: chr19-40395867-C-G. GRCh37 (hg19) VCF-style: chr19-40901774-C-G.
Other names: c.2770G>C, p.Gly924Arg (NM_001411127.1); c.*2690G>C (NM_020956.2); short protein forms G829R, G924R.
Identifiers: ClinVar variation 2118713 (VCV002118713.4), dbSNP rs2079429545, ClinGen allele CA405896186.
Genomic context (GRCh38, chr19:40,395,867, plus strand): 5'-CACCCACATGAGCCTCACCATCCACCTCTGGCTGCAGACAGGGAAGTGTTACCAGCTTCC[C>G]TGAGACCTCAGCACCCGCCTCGCCTGGCTTGCCACGTGATGGGGACTCTGCCCTCCCTAG-3'
Protein context (NP_870998.2, residues 819-839): KPGEAGAEVS[Gly829Arg]KLVTLPCLQP

ClinVar aggregate classification (germline): Uncertain significance (1 of 4 stars; one submission).

Conditions:
Charcot-Marie-Tooth disease type 4. Also called: Charcot-Marie-Tooth disease, type IV; Charcot-Marie-Tooth, Type 4. Identifiers: Orphanet 64749, MedGen C4082197, MONDO:0018995.

gnomAD v4.1: 1 of 1,614,200 alleles (0.000062%); highest among the groups gnomAD compares: African/African-American, 0.0013%; no homozygotes.

Submission:

Labcorp Genetics (formerly Invitae), Labcorp
Classification: Uncertain significance for Charcot-Marie-Tooth disease type 4. Last evaluated: 2022-03-28. Review status: criteria provided, single submitter. Criteria: Invitae Variant Classification Sherloc (09022015). Collection method: clinical testing. Allele origin: germline.
Comment: This variant has not been reported in the literature in individuals affected with PRX-related conditions. In summary, the available evidence is currently insufficient to determine the role of this variant in disease. Therefore, it has been classified as a Variant of Uncertain Significance. Algorithms developed to predict the effect of missense changes on protein structure and function are either unavailable or do not agree on the potential impact of this missense change (SIFT: "Tolerated"; PolyPhen-2: "Probably Damaging"; Align-GVGD: "Class C0"). This variant is not present in population databases (gnomAD no frequency). This sequence change replaces glycine, which is neutral and non-polar, with arginine, which is basic and polar, at codon 829 of the PRX protein (p.Gly829Arg).